The following is an entry in ClinVar:

ClinVar aggregate classification (germline): Uncertain significance (1 of 4 stars; one submission).

Conditions:
Lamb-Shaffer syndrome. Identifiers: Orphanet 313884, Orphanet 313892, Orphanet 530983, MedGen C4225202, MONDO:0014778, OMIM 616803.

Submission:

Baylor Genetics
Classification: Uncertain significance for Lamb-Shaffer syndrome. Last evaluated: 2020-07-08. Review status: criteria provided, single submitter. Criteria: ACMG Guidelines, 2015. Collection method: clinical testing. Allele origin: unknown. Affected: yes.
Comment: This variant was determined to be of uncertain significance according to ACMG Guidelines, 2015 [PMID:25741868].

NM_006940.6(SOX5):c.1280G>T (p.Gly427Val)

Gene: SOX5 (SRY-box transcription factor 5; minus strand). Cytogenetic location: 12p12.1.
Variant type: single nucleotide variant.
Coding change: c.1280G>T on transcript NM_006940.6 (MANE Select); coding-DNA position 1280, G replaced by T.
Protein change: p.Gly427Val; replaces glycine 427 with valine.
Molecular consequence: missense variant. On other transcripts: intron variant (1).
Genome position (GRCh38, 1-based): chr12:23,575,723, C>A on the plus strand (G>T on the coding strand, the complement: SOX5 is on the minus strand). VCF-style: chr12-23575723-C-A. GRCh37 (hg19) VCF-style: chr12-23728657-C-A.
Other names: c.1250G>T, p.Gly417Val (NM_001261415.3); c.1175G>T, p.Gly392Val (NM_001330785.2); c.1241G>T, p.Gly414Val (NM_152989.5); c.122G>T, p.Gly41Val (NM_178010.4); c.1125+28664G>T (NM_001261414.3); short protein forms G41V, G417V, G427V, G414V, G392V.
Identifiers: ClinVar variation 1027694 (VCV001027694.1), dbSNP rs780885506, ClinGen allele CA384317397.
Genomic context (GRCh38, chr12:23,575,723, plus strand): 5'-ATTGTGCTAACTCTGGCTGAAGGACTAGCTAACGCTGCTGGGACAGAGGCTTTGAGGGGG[C>A]CTGCCCCACTGTTTATTCTCAGAGCTGGCATATGGGGAGAGGTGGGTGATGTGGGTGATT-3'
Protein context (NP_008871.3, residues 417-437): MPALRINSGA[Gly427Val]PLKASVPAAL